The following is an entry in ClinVar:

ClinVar aggregate classification (germline): Uncertain significance (1 of 4 stars; one submission).

Submission:

Women's Health and Genetics/Laboratory Corporation of America, LabCorp
Classification: Uncertain significance. Last evaluated: 2025-09-30. Review status: criteria provided, single submitter. Criteria: LabCorp Variant Classification Summary - May 2015. Collection method: clinical testing. Allele origin: germline.
Comment: Variant summary: STUB1 c.539G>T (p.Cys180Phe) results in a non-conservative amino acid change in the encoded protein sequence. Algorithms developed to predict the effect of missense changes on protein structure and function are either unavailable or do not agree on the potential impact of this missense change. The variant was absent in 245340 control chromosomes. The available data on variant occurrences in the general population are insufficient to allow any conclusion about variant significance. To our knowledge, no occurrence of c.539G>T in individuals affected with STUB1-related conditions and no experimental evidence demonstrating its impact on protein function have been reported. No submitters have cited clinical-significance assessments for this variant to ClinVar. Based on the evidence outlined above, the variant was classified as uncertain significance.

NM_005861.4(STUB1):c.539G>T (p.Cys180Phe)

Genes: JMJD8 (jumonji domain containing 8; minus strand), STUB1 (STIP1 homology and U-box containing protein 1; plus strand). Cytogenetic location: 16p13.3.
Variant type: single nucleotide variant.
Coding change: c.539G>T on transcript NM_005861.4 (MANE Select); coding-DNA position 539, G replaced by T.
Protein change: p.Cys180Phe; replaces cysteine 180 with phenylalanine.
Molecular consequence: missense variant. On other transcripts: 3 prime UTR variant (5), non-coding transcript variant (3).
Genome position (GRCh38, 1-based): chr16:681,807, G>T. VCF-style: chr16-681807-G-T. GRCh37 (hg19) VCF-style: chr16-731807-G-T.
Other names: c.323G>T, p.Cys108Phe (NM_001293197.2); c.*987C>A (NM_001005920.4, NM_001323919.3, NM_001323920.3); c.*1021C>A (NM_001323918.3, NM_001323922.3); short protein forms C108F, C180F.
Identifiers: ClinVar variation 4535968 (VCV004535968.1).